The following is an entry in ClinVar:

NM_024079.5(ALG8):c.761G>A (p.Gly254Asp)

Gene: ALG8 (ALG8 alpha-1,3-glucosyltransferase; minus strand). Cytogenetic location: 11q14.1.
Variant type: single nucleotide variant.
Coding change: c.761G>A on transcript NM_024079.5 (MANE Select); coding-DNA position 761, G replaced by A.
Protein change: p.Gly254Asp; replaces glycine 254 with aspartic acid.
Molecular consequence: missense variant. On other transcripts: non-coding transcript variant (2), intron variant (2).
Genome position (GRCh38, 1-based): chr11:78,113,902, C>T on the plus strand (G>A on the coding strand, the complement: ALG8 is on the minus strand). VCF-style: chr11-78113902-C-T. GRCh37 (hg19) VCF-style: chr11-77824948-C-T.
Other names: c.761G>A, p.Gly254Asp (NM_001007027.3, NM_001425221.1, NM_001425222.1 and 10 more transcripts); c.764G>A, p.Gly255Asp (NM_001425219.1); c.746G>A, p.Gly249Asp (NM_001425220.1); c.854G>A, p.Gly285Asp (NM_001425224.1); c.608G>A, p.Gly203Asp (NM_001425226.1, NM_001425235.1, NM_001425236.1); c.560G>A, p.Gly187Asp (NM_001425231.1); c.497G>A, p.Gly166Asp (NM_001425234.1, NM_001425239.1); c.245G>A, p.Gly82Asp (NM_001425241.1); and 3 more; short protein forms G69D, G187D, G249D, G254D, G255D, G166D, G285D, G82D.
Identifiers: ClinVar variation 3679039 (VCV003679039.2).

ClinVar aggregate classification (germline): Uncertain significance (1 of 4 stars; one submission).

Conditions:
ALG8 congenital disorder of glycosylation. Also called: CONGENITAL DISORDER OF GLYCOSYLATION, TYPE Ih; ALG8-CDG; CDG Ih. Identifiers: Orphanet 79325, MedGen C2931002, MONDO:0011969, OMIM 608104.

gnomAD v4.1: 3 of 1,550,106 alleles (0.00019%); highest among the groups gnomAD compares: Non-Finnish European, 0.00026%; no homozygotes.

Submission:

Labcorp Genetics (formerly Invitae), Labcorp
Classification: Uncertain significance for ALG8 congenital disorder of glycosylation. Last evaluated: 2025-10-02. Review status: criteria provided, single submitter. Criteria: Invitae Variant Classification Sherloc (09022015). Collection method: clinical testing. Allele origin: germline.
Comment: This sequence change replaces glycine, which is neutral and non-polar, with aspartic acid, which is acidic and polar, at codon 254 of the ALG8 protein (p.Gly254Asp). This variant is not present in population databases (gnomAD no frequency). This variant has not been reported in the literature in individuals affected with ALG8-related conditions. ClinVar contains an entry for this variant (Variation ID: 3679039). Invitae Evidence Modeling of protein sequence and biophysical properties (such as structural, functional, and spatial information, amino acid conservation, physicochemical variation, residue mobility, and thermodynamic stability) indicates that this missense variant is expected to disrupt ALG8 protein function with a positive predictive value of 80%. In summary, the available evidence is currently insufficient to determine the role of this variant in disease. Therefore, it has been classified as a Variant of Uncertain Significance.